The following is an entry in ClinVar:

ClinVar aggregate classification (germline): Pathogenic (1 of 4 stars; one submission).

Allele frequency attached by ClinVar (database versions not stated): gnomAD exomes below 0.00001.

Submission:

Labcorp Genetics (formerly Invitae), Labcorp
Classification: Pathogenic. Last evaluated: 2025-06-04. Review status: criteria provided, single submitter. Criteria: Invitae Variant Classification Sherloc (09022015). Collection method: clinical testing. Allele origin: germline.
Comment: This sequence change creates a premature translational stop signal (p.Trp304*) in the OSGEP gene. It is expected to result in an absent or disrupted protein product. Loss-of-function variants in OSGEP are known to be pathogenic (PMID: 28805828, 34666032). This variant is not present in population databases (gnomAD no frequency). This variant has not been reported in the literature in individuals affected with OSGEP-related conditions. ClinVar contains an entry for this variant (Variation ID: 1379064). For these reasons, this variant has been classified as Pathogenic.

Literature cited by the submitters: PubMed 28805828; PubMed 34666032.

NM_017807.4(OSGEP):c.912G>A (p.Trp304Ter)

Gene: OSGEP (O-sialoglycoprotein endopeptidase; minus strand). Cytogenetic location: 14q11.2.
Variant type: single nucleotide variant.
Coding change: c.912G>A on transcript NM_017807.4 (MANE Select); coding-DNA position 912, G replaced by A.
Protein change: p.Trp304Ter; replaces tryptophan 304 with a stop codon.
Molecular consequence: nonsense.
Genome position (GRCh38, 1-based): chr14:20,447,478, C>T on the plus strand (G>A on the coding strand, the complement: OSGEP is on the minus strand). VCF-style: chr14-20447478-C-T. GRCh37 (hg19) VCF-style: chr14-20915637-C-T.
Other names: short protein forms W304*.
Identifiers: ClinVar variation 1379064 (VCV001379064.6), dbSNP rs2139289081, ClinGen allele CA389116094.
Genomic context (GRCh38, chr14:20,447,478, plus strand): 5'-TCACCTCTGTGTAACCCCAGAATCACTGAGTGGGGTCCTGTGTCCAGCCCGAAACATCTC[C>T]CAGCCAGCCTGGGCTATCATCGCTCCATTGTCAATACAGAATCTGGGATGCAAGAGAGAT-3'